The following is an entry in ClinVar:

ClinVar aggregate classification (germline): Uncertain significance (1 of 4 stars; one submission).

Submission:

Labcorp Genetics (formerly Invitae), Labcorp
Classification: Uncertain significance. Last evaluated: 2022-07-13. Review status: criteria provided, single submitter. Criteria: Invitae Variant Classification Sherloc (09022015). Collection method: clinical testing. Allele origin: germline.
Comment: Algorithms developed to predict the effect of sequence changes on RNA splicing suggest that this variant may disrupt the consensus splice site. In summary, the available evidence is currently insufficient to determine the role of this variant in disease. Therefore, it has been classified as a Variant of Uncertain Significance. Algorithms developed to predict the effect of missense changes on protein structure and function (SIFT, PolyPhen-2, Align-GVGD) all suggest that this variant is likely to be tolerated. This sequence change replaces histidine, which is basic and polar, with glutamine, which is neutral and polar, at codon 1828 of the MCM3AP protein (p.His1828Gln). This variant is not present in population databases (gnomAD no frequency). This variant has not been reported in the literature in individuals affected with MCM3AP-related conditions.

NM_003906.5(MCM3AP):c.5484C>G (p.His1828Gln)

Genes: MCM3AP (minichromosome maintenance complex component 3 associated protein; minus strand), MCM3AP-AS1 (MCM3AP antisense RNA 1; plus strand). Cytogenetic location: 21q22.3.
Variant type: single nucleotide variant.
Coding change: c.5484C>G on transcript NM_003906.5 (MANE Select); coding-DNA position 5484, C replaced by G.
Protein change: p.His1828Gln; replaces histidine 1828 with glutamine.
Molecular consequence: missense variant. On other transcripts: non-coding transcript variant (4).
Genome position (GRCh38, 1-based): chr21:46,240,960, G>C on the plus strand (C>G on the coding strand, the complement: MCM3AP is on the minus strand). VCF-style: chr21-46240960-G-C. GRCh37 (hg19) VCF-style: chr21-47660874-G-C.
Other names: short protein forms H1828Q.
Identifiers: ClinVar variation 2016497 (VCV002016497.4), dbSNP rs2517297302, ClinGen allele CA410537154.